The following is an entry in ClinVar:

NM_001291303.3(FAT4):c.5548A>C (p.Ile1850Leu)

Gene: FAT4 (FAT atypical cadherin 4; plus strand). Cytogenetic location: 4q28.1.
Variant type: single nucleotide variant.
Coding change: c.5548A>C on transcript NM_001291303.3 (MANE Select); coding-DNA position 5548, A replaced by C.
Protein change: p.Ile1850Leu; replaces isoleucine 1850 with leucine.
Molecular consequence: missense variant.
Genome position (GRCh38, 1-based): chr4:125,407,120, A>C. VCF-style: chr4-125407120-A-C. GRCh37 (hg19) VCF-style: chr4-126328275-A-C.
Other names: c.5548A>C, p.Ile1850Leu (NM_001291285.3, NM_024582.6); c.5548A>C (NM_024582.4); short protein forms I1850L.
Identifiers: ClinVar variation 2420272 (VCV002420272.4), dbSNP rs377348654, ClinGen allele CA3072742.

ClinVar aggregate classification (germline): Uncertain significance. Review status: criteria provided, multiple submitters, no conflicts (2 of 4 stars). 2 submissions from 2 submitters: Uncertain significance (2). Last evaluated 2025-04-03.

Conditions:
Inborn genetic diseases. Identifiers: MedGen C0950123, MeSH D030342.

Allele frequency attached by ClinVar (database versions not stated): ExAC 0.00002; ESP Exome Variant Server 0.00008; 1000 Genomes Project 30x 0.00016; 1000 Genomes Project 0.00020.
gnomAD v4.1: 10 of 1,612,834 alleles (0.00062%); highest among the groups gnomAD compares: African/African-American, 0.012%; no homozygotes.

Submissions (2):

Ambry Genetics
Classification: Uncertain significance for Inborn genetic diseases. Last evaluated: 2025-04-03. Review status: criteria provided, single submitter. Criteria: Ambry Variant Classification Scheme 2023. Collection method: clinical testing. Allele origin: germline.

Labcorp Genetics (formerly Invitae), Labcorp
Classification: Uncertain significance. Last evaluated: 2022-03-26. Review status: criteria provided, single submitter. Criteria: Invitae Variant Classification Sherloc (09022015). Collection method: clinical testing. Allele origin: germline.
Comment: This sequence change replaces isoleucine, which is neutral and non-polar, with leucine, which is neutral and non-polar, at codon 1850 of the FAT4 protein (p.Ile1850Leu). This variant is present in population databases (rs377348654, gnomAD 0.02%). This variant has not been reported in the literature in individuals affected with FAT4-related conditions. Advanced modeling of protein sequence and biophysical properties (such as structural, functional, and spatial information, amino acid conservation, physicochemical variation, residue mobility, and thermodynamic stability) performed at Invitae indicates that this missense variant is not expected to disrupt FAT4 protein function. In summary, the available evidence is currently insufficient to determine the role of this variant in disease. Therefore, it has been classified as a Variant of Uncertain Significance.